The following is an entry in ClinVar:

ClinVar aggregate classification (germline): Uncertain significance (1 of 4 stars; one submission).

Submission:

GeneDx
Classification: Uncertain significance. Last evaluated: 2024-09-12. Review status: criteria provided, single submitter. Criteria: GeneDx Variant Classification Process June 2021. Collection method: clinical testing. Allele origin: germline. Affected: yes.
Comment: Not observed at significant frequency in large population cohorts (gnomAD); In silico analysis indicates that this missense variant does not alter protein structure/function; Has not been previously published as pathogenic or benign to our knowledge

NM_017635.5(KMT5B):c.353G>A (p.Ser118Asn)

Gene: KMT5B (lysine methyltransferase 5B; minus strand). Cytogenetic location: 11q13.2.
Variant type: single nucleotide variant.
Coding change: c.353G>A on transcript NM_017635.5 (MANE Select); coding-DNA position 353, G replaced by A.
Protein change: p.Ser118Asn; replaces serine 118 with asparagine.
Molecular consequence: missense variant. On other transcripts: 5 prime UTR variant (8), non-coding transcript variant (3), intron variant (2).
Genome position (GRCh38, 1-based): chr11:68,180,156, C>T on the plus strand (G>A on the coding strand, the complement: KMT5B is on the minus strand). VCF-style: chr11-68180156-C-T. GRCh37 (hg19) VCF-style: chr11-67947623-C-T.
Other names: c.-232G>A (NM_001300907.1); c.-315G>A (NM_001300908.2); c.353G>A, p.Ser118Asn (NM_001363566.2, NM_001369426.1, NM_001369427.1 and 1 more transcripts); c.-311G>A (NM_001369424.1, NM_001369431.1, NM_001369432.1); c.140G>A, p.Ser47Asn (NM_001369425.1); c.-525G>A (NM_001369428.1); c.-164G>A (NM_001369429.1); c.-826G>A (NM_001369433.1); and 2 more; short protein forms S118N, S47N.
Identifiers: ClinVar variation 3770024 (VCV003770024.1).